The following is an entry in ClinVar:

ClinVar aggregate classification (germline): Uncertain significance (1 of 4 stars; one submission).

Submission:

GeneDx
Classification: Uncertain significance. Last evaluated: 2024-06-20. Review status: criteria provided, single submitter. Criteria: GeneDx Variant Classification Process June 2021. Collection method: clinical testing. Allele origin: germline. Affected: yes.
Comment: Not observed at significant frequency in large population cohorts (gnomAD); Missense variants in this gene are a common cause of disease and they are underrepresented in the general population; In silico analysis indicates that this missense variant does not alter protein structure/function; Has not been previously published as pathogenic or benign to our knowledge

NM_001614.5(ACTG1):c.139A>G (p.Met47Val)

Gene: ACTG1 (actin gamma 1; minus strand). Cytogenetic location: 17q25.3.
Variant type: single nucleotide variant.
Coding change: c.139A>G on transcript NM_001614.5 (MANE Select); coding-DNA position 139, A replaced by G.
Protein change: p.Met47Val; replaces methionine 47 with valine.
Molecular consequence: missense variant. On other transcripts: non-coding transcript variant (1).
Genome position (GRCh38, 1-based): chr17:81,512,127, T>C on the plus strand (A>G on the coding strand, the complement: ACTG1 is on the minus strand). VCF-style: chr17-81512127-T-C. GRCh37 (hg19) VCF-style: chr17-79479153-T-C.
Other names: c.139A>G, p.Met47Val (NM_001199954.3); short protein forms M47V.
Identifiers: ClinVar variation 3391765 (VCV003391765.1).